The following is an entry in ClinVar:

NM_015057.5(MYCBP2):c.9896T>G (p.Val3299Gly)

Gene: MYCBP2 (MYC binding protein 2; minus strand). Cytogenetic location: 13q22.3.
Variant type: single nucleotide variant.
Coding change: c.9896T>G on transcript NM_015057.5 (MANE Select); coding-DNA position 9896, T replaced by G.
Protein change: p.Val3299Gly; replaces valine 3299 with glycine.
Molecular consequence: missense variant.
Genome position (GRCh38, 1-based): chr13:77,096,370, A>C on the plus strand (T>G on the coding strand, the complement: MYCBP2 is on the minus strand). VCF-style: chr13-77096370-A-C. GRCh37 (hg19) VCF-style: chr13-77670505-A-C.
Other names: short protein forms V3299G.
Identifiers: ClinVar variation 3253097 (VCV003253097.1), dbSNP rs2503513184.

ClinVar aggregate classification (germline): Pathogenic (1 of 4 stars; one submission).

Submission:

GeneDx
Classification: Pathogenic. Last evaluated: 2023-01-25. Review status: criteria provided, single submitter. Criteria: GeneDx Variant Classification Process June 2021. Collection method: clinical testing. Allele origin: germline. Affected: yes.
Comment: Published functional studies demonstrate a damaging effect in C elegans as mutant protein showed impaired axon development (AlAbdi et al., 2022); In silico analysis supports that this missense variant has a deleterious effect on protein structure/function; Not observed at significant frequency in large population cohorts (gnomAD); This variant is associated with the following publications: (PMID: 36200388)